The following is an entry in ClinVar:

ClinVar aggregate classification (germline): Pathogenic (1 of 4 stars; one submission).

Conditions:
Marfan syndrome (MFS). Also called: FBN1-Related Marfan Syndrome; MARFAN SYNDROME, TYPE I; Marfan syndrome type 1; Marfan's syndrome; Marfan syndrome, classic. Identifiers: Orphanet 284963, Orphanet 558, MedGen C0024796, MONDO:0007947, OMIM 154700.
Familial thoracic aortic aneurysm and aortic dissection (TAAD). Also called: Thoracic aortic aneurysms and dissections. Identifiers: Orphanet 91387, MedGen C4707243, MONDO:0019625.

Submission:

Labcorp Genetics (formerly Invitae), Labcorp
Classification: Pathogenic for Marfan syndrome; Familial thoracic aortic aneurysm and aortic dissection. Last evaluated: 2025-02-19. Review status: criteria provided, single submitter. Criteria: Invitae Variant Classification Sherloc (09022015). Collection method: clinical testing. Allele origin: germline.
Comment: This sequence change replaces cysteine, which is neutral and slightly polar, with serine, which is neutral and polar, at codon 488 of the FBN1 protein (p.Cys488Ser). This variant is not present in population databases (gnomAD no frequency). This variant has not been reported in the literature in individuals affected with FBN1-related conditions. Invitae Evidence Modeling of protein sequence and biophysical properties (such as structural, functional, and spatial information, amino acid conservation, physicochemical variation, residue mobility, and thermodynamic stability) indicates that this missense variant is expected to disrupt FBN1 protein function with a positive predictive value of 95%. This variant affects a cysteine residue in the EGF-like, TGFBP or hybrid motif domains of FBN1. Cysteine residues are believed to be involved in intramolecular disulfide bridges and have been shown to be important for FBN1 protein structure (PMID: 16905551, 19349279). In addition, missense substitutions affecting cysteine residues within these domains are significantly overrepresented among patients with Marfan syndrome (PMID: 16571647, 17701892). This variant disrupts the p.Cys488 amino acid residue in FBN1. Other variant(s) that disrupt this residue have been observed in individuals with FBN1-related conditions (PMID: 15241795, 18435798, 19293843), which suggests that this may be a clinically significant amino acid residue. For these reasons, this variant has been classified as Pathogenic.

Literature cited by the submitters: PubMed 16905551; PubMed 19349279; PubMed 16571647; PubMed 17701892; PubMed 15241795; PubMed 18435798; PubMed 19293843.

NM_000138.5(FBN1):c.1463G>C (p.Cys488Ser)

Gene: FBN1 (fibrillin 1; minus strand). Cytogenetic location: 15q21.1.
Variant type: single nucleotide variant.
Coding change: c.1463G>C on transcript NM_000138.5 (MANE Select); coding-DNA position 1463, G replaced by C.
Protein change: p.Cys488Ser; replaces cysteine 488 with serine.
Molecular consequence: missense variant.
Genome position (GRCh38, 1-based): chr15:48,515,392, C>G on the plus strand (G>C on the coding strand, the complement: FBN1 is on the minus strand). VCF-style: chr15-48515392-C-G. GRCh37 (hg19) VCF-style: chr15-48807589-C-G.
Other names: c.1463G>C, p.Cys488Ser (NM_001406716.1); short protein forms C488S.
Identifiers: ClinVar variation 4789672 (VCV004789672.1).